The following is an entry in ClinVar:

ClinVar aggregate classification (germline): Uncertain significance. Review status: criteria provided, multiple submitters, no conflicts (2 of 4 stars). 3 submissions from 3 submitters: Uncertain significance (2). 1 of the submissions does not count toward it. Last evaluated 2025-05-29.

Conditions:
Hypertrophic cardiomyopathy. Also called: HYPERTROPHIC MYOCARDIOPATHY. Identifiers: Orphanet 217569, MedGen C0007194, MeSH D002312, MONDO:0005045, HP:0001639.
JPH2-related disorder. Also called: JPH2-related condition.
Cardiovascular phenotype. Identifiers: MedGen CN230736.

Allele frequency attached by ClinVar (database versions not stated): gnomAD exomes 0.00001; TOPMed 0.00001.
gnomAD v4.1: 5 of 1,599,406 alleles (0.00031%); highest among the groups gnomAD compares: African/African-American, 0.004%; no homozygotes.

Submissions (3):

Labcorp Genetics (formerly Invitae), Labcorp
Classification: Uncertain significance for Hypertrophic cardiomyopathy. Last evaluated: 2025-05-29. Review status: criteria provided, single submitter. Criteria: Invitae Variant Classification Sherloc (09022015). Collection method: clinical testing. Allele origin: germline.
Comment: This sequence change replaces alanine, which is neutral and non-polar, with valine, which is neutral and non-polar, at codon 615 of the JPH2 protein (p.Ala615Val). This variant is present in population databases (no rsID available, gnomAD 0.01%). This variant has not been reported in the literature in individuals affected with JPH2-related conditions. ClinVar contains an entry for this variant (Variation ID: 1781214). An algorithm developed to predict the effect of missense changes on protein structure and function outputs the following: PolyPhen-2: "Benign". The valine amino acid residue is found in multiple mammalian species, which suggests that this missense change does not adversely affect protein function. In summary, the available evidence is currently insufficient to determine the role of this variant in disease. Therefore, it has been classified as a Variant of Uncertain Significance.

Ambry Genetics
Classification: Uncertain significance for Cardiovascular phenotype. Last evaluated: 2022-04-09. Review status: criteria provided, single submitter. Criteria: Ambry Variant Classification Scheme 2023. Collection method: clinical testing. Allele origin: germline.
Comment: The p.A615V variant (also known as c.1844C>T), located in coding exon 4 of the JPH2 gene, results from a C to T substitution at nucleotide position 1844. The alanine at codon 615 is replaced by valine, an amino acid with similar properties. This amino acid position is conserved. In addition, this alteration is predicted to be tolerated by in silico analysis. Since supporting evidence is limited at this time, the clinical significance of this alteration remains unclear.

PreventionGenetics, part of Exact Sciences
Classification: Uncertain significance for JPH2-related condition. Last evaluated: 2024-04-10. Review status: no assertion criteria provided. Collection method: clinical testing. Allele origin: germline. Not counted in ClinVar's aggregate classification.
Comment: The JPH2 c.1844C>T variant is predicted to result in the amino acid substitution p.Ala615Val. To our knowledge, this variant has not been reported in the literature. This variant is reported in 0.014% of alleles in individuals of African descent in gnomAD. At this time, the clinical significance of this variant is uncertain due to the absence of conclusive functional and genetic evidence.

NM_020433.5(JPH2):c.1844C>T (p.Ala615Val)

Gene: JPH2 (junctophilin 2; minus strand). Cytogenetic location: 20q13.12.
Variant type: single nucleotide variant.
Coding change: c.1844C>T on transcript NM_020433.5 (MANE Select); coding-DNA position 1844, C replaced by T.
Protein change: p.Ala615Val; replaces alanine 615 with valine.
Molecular consequence: missense variant.
Genome position (GRCh38, 1-based): chr20:44,115,831, G>A on the plus strand (C>T on the coding strand, the complement: JPH2 is on the minus strand). VCF-style: chr20-44115831-G-A. GRCh37 (hg19) VCF-style: chr20-42744471-G-A.
Other names: short protein forms A615V.
Identifiers: ClinVar variation 1781214 (VCV001781214.4), dbSNP rs1397533355, ClinGen allele CA409099823.